The following is an entry in ClinVar:

ClinVar aggregate classification (germline): Conflicting classifications of pathogenicity. Review status: criteria provided, conflicting classifications (1 of 4 stars). 2 submissions from 2 submitters: Uncertain significance (1); Likely benign (1). Last evaluated 2023-02-21.

Conditions:
Fabry disease. Also called: ALPHA-GALACTOSIDASE A DEFICIENCY; ANDERSON-FABRY DISEASE; CERAMIDE TRIHEXOSIDASE DEFICIENCY; GLA DEFICIENCY; HEREDITARY DYSTOPIC LIPIDOSIS; Fabry's disease. Identifiers: Orphanet 324, MedGen C0002986, MONDO:0010526, OMIM 301500, HP:0001071. Disease mechanism: loss of function, Fabry disease is due to inactivating mutations in the X-linked GLA gene resulting in deficiency of the enzyme Alpha Galactosidase-A..

Allele frequency attached by ClinVar (database versions not stated): TOPMed below 0.00001; gnomAD 0.00001.
gnomAD v4.1: 1 of 1,201,485 alleles (0.000083%); highest among the groups gnomAD compares: Non-Finnish European, 0.00011%; no homozygotes.

Submissions (2):

Labcorp Genetics (formerly Invitae), Labcorp
Classification: Uncertain significance for Fabry disease. Last evaluated: 2023-02-21. Review status: criteria provided, single submitter. Criteria: Invitae Variant Classification Sherloc (09022015). Collection method: clinical testing. Allele origin: germline.
Comment: This variant has not been reported in the literature in individuals affected with GLA-related conditions. This variant is not present in population databases (gnomAD no frequency). This sequence change falls in intron 1 of the GLA gene. It does not directly change the encoded amino acid sequence of the GLA protein. It affects a nucleotide within the consensus splice site. ClinVar contains an entry for this variant (Variation ID: 927692). In summary, the available evidence is currently insufficient to determine the role of this variant in disease. Therefore, it has been classified as a Variant of Uncertain Significance. Variants that disrupt the consensus splice site are a relatively common cause of aberrant splicing (PMID: 17576681, 9536098). Algorithms developed to predict the effect of sequence changes on RNA splicing suggest that this variant is not likely to affect RNA splicing.

Color Diagnostics, LLC DBA Color Health
Classification: Likely benign for Fabry disease. Last evaluated: 2018-11-16. Review status: criteria provided, single submitter. Criteria: ACMG Guidelines, 2015. Collection method: clinical testing. Allele origin: germline.

Literature cited by the submitters: PubMed 17576681 (cited by Labcorp Genetics (formerly Invitae), Labcorp); PubMed 9536098 (cited by Labcorp Genetics (formerly Invitae), Labcorp).

NM_000169.3(GLA):c.194+6A>G

Genes: GLA (galactosidase alpha; minus strand), RPL36A-HNRNPH2 (RPL36A-HNRNPH2 readthrough; plus strand). Cytogenetic location: Xq22.1.
Variant type: single nucleotide variant.
Coding change: c.194+6A>G on transcript NM_000169.3 (MANE Select); 6 bases into the intron after coding-DNA position 194, A replaced by G.
Molecular consequence: intron variant.
Genome position (GRCh38, 1-based): chrX:101,407,704, T>C on the plus strand (A>G on the coding strand, the complement: GLA is on the minus strand). VCF-style: chrX-101407704-T-C. GRCh37 (hg19) VCF-style: chrX-100662692-T-C.
Other names: c.301-4232T>C (NM_001199973.2); c.178-4232T>C (NM_001199974.2); c.194+6A>G (NM_001406747.1, NM_001406748.1, NM_001406749.1).
Identifiers: ClinVar variation 927692 (VCV000927692.5), dbSNP rs1463398466, ClinGen allele CA037779.
Genomic context (GRCh38, chrX:101,407,704, plus strand): 5'-CCAGTTCCCCAAACACACCCAAACACATGGAAAAGCAAAGGGAAGGGAGTACCCAATATC[T>C]GATACCTGATGCAGGAATCTGGCTCTTCCTGGCAGTCAAGGTTGCACATGAAGCGCTCCC-3'